The following is an entry in ClinVar:

ClinVar aggregate classification (germline): Benign/Likely benign. Review status: criteria provided, multiple submitters, no conflicts (2 of 4 stars). 3 submissions from 3 submitters: Benign (1); Likely benign (2). Last evaluated 2026-06-03.

Conditions:
Hereditary cancer-predisposing syndrome. Also called: Hereditary neoplastic syndrome; Neoplastic Syndromes, Hereditary; Hereditary Cancer Syndrome; Tumor predisposition. Identifiers: Orphanet 140162, MedGen C0027672, MeSH D009386, MONDO:0015356.
Gastrointestinal stromal tumor. Also called: Gastrointestinal stromal tumor, somatic; Gastrointestinal stroma tumor. Identifiers: Orphanet 44890, MedGen C0238198, MeSH D046152, MONDO:0011719, OMIM 606764, HP:0100723.

Allele frequency attached by ClinVar (database versions not stated): ExAC 0.00001.
gnomAD v4.1: 8 of 1,614,122 alleles (0.0005%); highest among the groups gnomAD compares: South Asian, 0.0022%; no homozygotes.

Submissions (3):

Myriad Genetics, Inc.
Classification: Benign for Gastrointestinal stromal tumor. Last evaluated: 2026-06-03. Review status: criteria provided, single submitter. Criteria: Myriad Autosomal Dominant, Autosomal Recessive and X-Linked Classification Criteria (2023). Collection method: clinical testing. Allele origin: unknown.
Comment: This variant is considered benign. This variant is a silent/synonymous amino acid change and it is not expected to impact splicing.

Labcorp Genetics (formerly Invitae), Labcorp
Classification: Likely benign for Gastrointestinal stromal tumor. Last evaluated: 2026-02-01. Review status: criteria provided, single submitter. Criteria: Invitae Variant Classification Sherloc (09022015). Collection method: clinical testing. Allele origin: germline.

Ambry Genetics
Classification: Likely benign for Hereditary cancer-predisposing syndrome. Last evaluated: 2022-02-27. Review status: criteria provided, single submitter. Criteria: Ambry Variant Classification Scheme 2023. Collection method: clinical testing. Allele origin: germline.

NM_000222.3(KIT):c.1281A>G (p.Gln427=)

Gene: KIT (KIT proto-oncogene, receptor tyrosine kinase; plus strand). Cytogenetic location: 4q12.
Variant type: single nucleotide variant.
Coding change: c.1281A>G on transcript NM_000222.3 (MANE Select); coding-DNA position 1281, A replaced by G.
Protein change: p.Gln427=; no amino-acid change (glutamine 427 retained).
Molecular consequence: synonymous variant.
Genome position (GRCh38, 1-based): chr4:54,723,633, A>G. VCF-style: chr4-54723633-A-G. GRCh37 (hg19) VCF-style: chr4-55589799-A-G.
Other names: c.1281A>G, p.Gln427= (NM_001093772.2, NM_001385285.1, NM_001385286.1); c.1284A>G, p.Gln428= (NM_001385284.1, NM_001385288.1, NM_001385290.1 and 1 more transcripts).
Identifiers: ClinVar variation 939579 (VCV000939579.11), dbSNP rs376889675, ClinGen allele CA2923447.